The following is an entry in ClinVar:

ClinVar aggregate classification (germline): Pathogenic (1 of 4 stars; one submission).

Conditions:
Combined oxidative phosphorylation defect type 14. Also called: Combined oxidative phosphorylation deficiency 14. Identifiers: Orphanet 319519, MedGen C4755312, MONDO:0013986, OMIM 614946.

Submission:

Labcorp Genetics (formerly Invitae), Labcorp
Classification: Pathogenic for Combined oxidative phosphorylation defect type 14. Last evaluated: 2020-09-28. Review status: criteria provided, single submitter. Criteria: Invitae Variant Classification Sherloc (09022015). Collection method: clinical testing. Allele origin: germline.
Comment: The frequency data for this variant in the population databases is not available, as this variant may be reported as separate entries in the ExAC database. This variant has not been reported in the literature in individuals with FARS2-related conditions. Algorithms developed to predict the effect of sequence changes on RNA splicing suggest that this variant may create or strengthen a splice site, but this prediction has not been confirmed by published transcriptional studies. Loss-of-function variants in FARS2 are known to be pathogenic (PMID: 22833457). For these reasons, this variant has been classified as Pathogenic. This sequence change creates a premature translational stop signal (p.Trp370*) in the FARS2 gene. It is expected to result in an absent or disrupted protein product.

Literature cited by the submitters: PubMed 22833457.

NM_006567.5(FARS2):c.1109_1111delinsAACCAGAATGAA (p.Trp370_Leu371delinsTer)

Gene: FARS2 (phenylalanyl-tRNA synthetase 2, mitochondrial; plus strand). Cytogenetic location: 6p25.1.
Variant type: Indel.
Coding change: c.1109_1111delinsAACCAGAATGAA on transcript NM_006567.5 (MANE Select); coding-DNA positions 1109 to 1111, GGT replaced by AACCAGAATGAA.
Protein change: p.Trp370_Leu371delinsTer.
Molecular consequence: nonsense.
Genome position (GRCh38, 1-based): chr6:5,613,212-5,613,214, GGT replaced by AACCAGAATGAA. VCF-style: chr6-5613212-GGT-AACCAGAATGAA. GRCh37 (hg19) VCF-style: chr6-5613445-GGT-AACCAGAATGAA.
Other names: c.1109_1111delinsAACCAGAATGAA, p.Trp370_Leu371delinsTer (NM_001318872.2, NM_001374875.1, NM_001374876.1 and 4 more transcripts); c.977_979delinsAACCAGAATGAA, p.Trp326_Leu327delinsTer (NM_001375258.1); c.413_415delinsAACCAGAATGAA, p.Trp138_Leu139delinsTer (NM_001375259.1, NM_001375260.1).
Identifiers: ClinVar variation 540540 (VCV000540540.5), dbSNP rs1554116357, ClinGen allele CA658796714.
Genomic context (GRCh38, chr6:5,613,212, plus strand): 5'-TCCTCTTGTTTTGTTAGCCTCTTAGCAAATATCCGGCTGTGATCAATGATATTTCATTCT[GGT>AACCAGAATGAA]TGCCCTCTGAGAATTACGCAGAAAATGATTTCTATGACTTAGTCCGAACAATTGGAGGAG-3'